The following is an entry in ClinVar:

NM_005911.6(MAT2A):c.952-3T>C

Genes: GGCX (gamma-glutamyl carboxylase; minus strand), MAT2A (methionine adenosyltransferase 2A; plus strand). Cytogenetic location: 2p11.2.
Variant type: single nucleotide variant.
Coding change: c.952-3T>C on transcript NM_005911.6 (MANE Select); 3 bases into the intron before coding-DNA position 952, T replaced by C.
Molecular consequence: intron variant.
Genome position (GRCh38, 1-based): chr2:85,542,898, T>C. VCF-style: chr2-85542898-T-C. GRCh37 (hg19) VCF-style: chr2-85770021-T-C.
Identifiers: ClinVar variation 1400755 (VCV001400755.9), dbSNP rs367778290, ClinGen allele CA1741538.
Genomic context (GRCh38, chr2:85,542,898, plus strand): 5'-CGTATTATACAAGTATATGGGTCTTTGCAATCACTGATTCTTACGACATTTGAATCCTTT[T>C]AGGTCTCTTATGCTATTGGAGTTTCTCATCCATTATCTATCTCCATTTTCCATTATGGTA-3'

ClinVar aggregate classification (germline): Uncertain significance. Review status: criteria provided, multiple submitters, no conflicts (2 of 4 stars). 2 submissions from 2 submitters: Uncertain significance (2). Last evaluated 2025-03-25.

Conditions:
Cardiovascular phenotype. Identifiers: MedGen CN230736.
Familial thoracic aortic aneurysm and aortic dissection (TAAD). Also called: Thoracic aortic aneurysms and dissections. Identifiers: Orphanet 91387, MedGen C4707243, MONDO:0019625.

Allele frequency attached by ClinVar (database versions not stated): gnomAD exomes below 0.00001 and 0.00003; ExAC 0.00001; gnomAD 0.00001; TOPMed 0.00002; ESP Exome Variant Server 0.00015.

Submissions (2):

Labcorp Genetics (formerly Invitae), Labcorp
Classification: Uncertain significance for Familial thoracic aortic aneurysm and aortic dissection. Last evaluated: 2025-03-25. Review status: criteria provided, single submitter. Criteria: Invitae Variant Classification Sherloc (09022015). Collection method: clinical testing. Allele origin: germline.
Comment: This sequence change falls in intron 7 of the MAT2A gene. It does not directly change the encoded amino acid sequence of the MAT2A protein. It affects a nucleotide within the consensus splice site. This variant is present in population databases (rs367778290, gnomAD 0.0009%). This variant has not been reported in the literature in individuals affected with MAT2A-related conditions. ClinVar contains an entry for this variant (Variation ID: 1400755). Variants that disrupt the consensus splice site are a relatively common cause of aberrant splicing (PMID: 17576681, 9536098). Algorithms developed to predict the effect of sequence changes on RNA splicing suggest that this variant is not likely to affect RNA splicing. In summary, the available evidence is currently insufficient to determine the role of this variant in disease. Therefore, it has been classified as a Variant of Uncertain Significance.

Ambry Genetics
Classification: Uncertain significance for Cardiovascular phenotype. Last evaluated: 2024-04-25. Review status: criteria provided, single submitter. Criteria: Ambry Variant Classification Scheme 2023. Collection method: clinical testing. Allele origin: germline.
Comment: The c.952-3T>C intronic variant results from a T to C substitution 3 nucleotides upstream from coding exon 8 in the MAT2A gene. This nucleotide position is not well conserved in available vertebrate species. In silico splice site analysis predicts that this alteration will not have any significant effect on splicing. The evidence for this gene-disease relationship is limited; therefore, the clinical significance of this alteration is unclear.

Literature cited by the submitters: PubMed 17576681 (cited by Labcorp Genetics (formerly Invitae), Labcorp); PubMed 9536098 (cited by Labcorp Genetics (formerly Invitae), Labcorp).